The following is an entry in ClinVar:

NM_004973.4(JARID2):c.931C>G (p.Arg311Gly)

Gene: JARID2 (jumonji and AT-rich interaction domain containing 2; plus strand). Cytogenetic location: 6p22.3.
Variant type: single nucleotide variant.
Coding change: c.931C>G on transcript NM_004973.4 (MANE Select); coding-DNA position 931, C replaced by G.
Protein change: p.Arg311Gly; replaces arginine 311 with glycine.
Molecular consequence: missense variant.
Genome position (GRCh38, 1-based): chr6:15,496,156, C>G. VCF-style: chr6-15496156-C-G. GRCh37 (hg19) VCF-style: chr6-15496387-C-G.
Other names: c.415C>G, p.Arg139Gly (NM_001267040.1); c.931C>G (NM_004973.2); short protein forms R139G, R311G.
Identifiers: ClinVar variation 1679601 (VCV001679601.4), dbSNP rs911838647, ClinGen allele CA134808218.
Genomic context (GRCh38, chr6:15,496,156, plus strand): 5'-GCGTTTTTTTCCACCTCTGCTTCTGCTGCTCCACAGGTTTCTAAGGTAAACGGAGTCACT[C>G]GAATGTCATCTCTGGGTGCAGGTGTAACCAGTGCCAAAAAGATGCGCGAGGTCAGACCTT-3'
Protein context (NP_004964.2, residues 301-321): KQVSKVNGVT[Arg311Gly]MSSLGAGVTS

ClinVar aggregate classification (germline): Uncertain significance. Review status: criteria provided, multiple submitters, no conflicts (2 of 4 stars). 2 submissions from 2 submitters: Uncertain significance (2). Last evaluated 2023-03-27.

Conditions:
JARID2-related Neurodevelopmental syndrome.
Inborn genetic diseases. Identifiers: MedGen C0950123, MeSH D030342.

Allele frequency attached by ClinVar (database versions not stated): gnomAD exomes below 0.00001.
gnomAD v4.1: 1 of 1,613,196 alleles (0.000062%); highest among the groups gnomAD compares: African/African-American, 0.0013%; no homozygotes.

Submissions (2):

Ambry Genetics
Classification: Uncertain significance for Inborn genetic diseases. Last evaluated: 2023-03-27. Review status: criteria provided, single submitter. Criteria: Ambry Variant Classification Scheme 2023. Collection method: clinical testing. Allele origin: germline.
Comment: The c.931C>G (p.R311G) alteration is located in exon 7 (coding exon 7) of the JARID2 gene. This alteration results from a C to G substitution at nucleotide position 931, causing the arginine (R) at amino acid position 311 to be replaced by a glycine (G). Based on data from gnomAD, the G allele has an overall frequency of <0.001% (1/250468) total alleles studied. The highest observed frequency was 0.006% (1/16252) of African alleles. This amino acid position is highly conserved in available vertebrate species. The in silico prediction for this alteration is inconclusive. Based on insufficient or conflicting evidence, the clinical significance of this alteration remains unclear.

New York Genome Center
Classification: Uncertain significance for JARID2-related Neurodevelopmental syndrome. Last evaluated: 2021-05-14. Review status: criteria provided, single submitter. Criteria: NYGC Assertion Criteria 2020. Collection method: clinical testing. Allele origin: inherited. Observed: 1 heterozygote. Study: CSER-NYCKidSeq.